The following is an entry in ClinVar:

NM_000860.6(HPGD):c.217+4A>G

Gene: HPGD (15-hydroxyprostaglandin dehydrogenase; minus strand). Cytogenetic location: 4q34.1.
Variant type: single nucleotide variant.
Coding change: c.217+4A>G on transcript NM_000860.6 (MANE Select); 4 bases into the intron after coding-DNA position 217, A replaced by G.
Molecular consequence: intron variant.
Genome position (GRCh38, 1-based): chr4:174,521,940, T>C on the plus strand (A>G on the coding strand, the complement: HPGD is on the minus strand). VCF-style: chr4-174521940-T-C. GRCh37 (hg19) VCF-style: chr4-175443091-T-C.
Other names: c.217+4A>G (NM_001256306.2, NM_001256305.2, NM_001145816.3 and 1 more transcripts); c.-40+4A>G (NM_001256307.2); c.-147+4A>G (NM_001256301.1).
Identifiers: ClinVar variation 1492260 (VCV001492260.5), dbSNP rs764465489, ClinGen allele CA3142374.

ClinVar aggregate classification (germline): Uncertain significance (1 of 4 stars; one submission).

Allele frequency attached by ClinVar (database versions not stated): ExAC 0.00002; gnomAD exomes 0.00002.
gnomAD v4.1: 3 of 1,614,108 alleles (0.00019%); highest among the groups gnomAD compares: Admixed American, 0.0033%; no homozygotes.

Submission:

Labcorp Genetics (formerly Invitae), Labcorp
Classification: Uncertain significance. Last evaluated: 2023-12-06. Review status: criteria provided, single submitter. Criteria: Invitae Variant Classification Sherloc (09022015). Collection method: clinical testing. Allele origin: germline.
Comment: This sequence change falls in intron 2 of the HPGD gene. It does not directly change the encoded amino acid sequence of the HPGD protein. It affects a nucleotide within the consensus splice site. This variant is present in population databases (rs764465489, gnomAD 0.009%). This variant has not been reported in the literature in individuals affected with HPGD-related conditions. ClinVar contains an entry for this variant (Variation ID: 1492260). Variants that disrupt the consensus splice site are a relatively common cause of aberrant splicing (PMID: 17576681, 9536098). Algorithms developed to predict the effect of sequence changes on RNA splicing suggest that this variant is not likely to affect RNA splicing. In summary, the available evidence is currently insufficient to determine the role of this variant in disease. Therefore, it has been classified as a Variant of Uncertain Significance.

Literature cited by the submitters: PubMed 17576681; PubMed 9536098.